The following is an entry in ClinVar:

NM_004744.5(LRAT):c.624T>C (p.Cys208=)

Gene: LRAT (lecithin retinol acyltransferase; plus strand). Cytogenetic location: 4q32.1.
Variant type: single nucleotide variant.
Coding change: c.624T>C on transcript NM_004744.5 (MANE Select); coding-DNA position 624, T replaced by C.
Protein change: p.Cys208=; no amino-acid change (cysteine 208 retained).
Molecular consequence: synonymous variant.
Genome position (GRCh38, 1-based): chr4:154,749,067, T>C. VCF-style: chr4-154749067-T-C. GRCh37 (hg19) VCF-style: chr4-155670219-T-C.
Other names: c.624T>C, p.Cys208= (NM_001301645.2); c.624T>C (NM_004744.4).
Identifiers: ClinVar variation 1645046 (VCV001645046.11), dbSNP rs1267301966, ClinGen allele CA441949495.
Genomic context (GRCh38, chr4:154,749,067, plus strand): 5'-TATTCGTGATCAGAGAAGTGTTCTTGCTTCAGCAGTCTTGGGATTGGCGTCTATAGTCTG[T>C]ACGGGCTTGGTATCATACACTACCCTTCCTGCAATTTTTATTCCATTCTTCCTATGGATG-3'
Protein context (NP_004735.2, residues 198-218): SAVLGLASIV[Cys208=]TGLVSYTTLP

ClinVar aggregate classification (germline): Likely benign. Review status: criteria provided, multiple submitters, no conflicts (2 of 4 stars). 3 submissions from 3 submitters: Likely benign (2). 1 of the submissions does not count toward it. Last evaluated 2025-10-26.

Conditions:
LRAT-related disorder. Also called: LRAT-related condition.

Allele frequency attached by ClinVar (database versions not stated): TOPMed below 0.00001; gnomAD exomes 0.00001.
gnomAD v4.1: 4 of 1,613,872 alleles (0.00025%); highest among the groups gnomAD compares: Admixed American, 0.0067%; no homozygotes.

Submissions (3):

Labcorp Genetics (formerly Invitae), Labcorp
Classification: Likely benign. Last evaluated: 2025-10-26. Review status: criteria provided, single submitter. Criteria: Invitae Variant Classification Sherloc (09022015). Collection method: clinical testing. Allele origin: germline.

Blueprint Genetics
Classification: Likely benign. Last evaluated: 2021-05-25. Review status: criteria provided, single submitter. Criteria: ACMG Guidelines, 2015. Collection method: clinical testing. Allele origin: germline.

PreventionGenetics, part of Exact Sciences
Classification: Likely benign for LRAT-related condition. Last evaluated: 2019-09-13. Review status: no assertion criteria provided. Collection method: clinical testing. Allele origin: germline. Not counted in ClinVar's aggregate classification.
Comment: This variant is classified as likely benign based on ACMG/AMP sequence variant interpretation guidelines (Richards et al. 2015 PMID: 25741868, with internal and published modifications).